The following is an entry in ClinVar:

NM_001375524.1(TRRAP):c.269G>A (p.Arg90Gln)

Gene: TRRAP (transformation/transcription domain associated protein; plus strand). Cytogenetic location: 7q22.1.
Variant type: single nucleotide variant.
Coding change: c.269G>A on transcript NM_001375524.1 (MANE Select); coding-DNA position 269, G replaced by A.
Protein change: p.Arg90Gln; replaces arginine 90 with glutamine.
Molecular consequence: missense variant.
Genome position (GRCh38, 1-based): chr7:98,892,431, G>A. VCF-style: chr7-98892431-G-A. GRCh37 (hg19) VCF-style: chr7-98490054-G-A.
Other names: c.269G>A, p.Arg90Gln (NM_001244580.2, NM_003496.4); c.269G>A (NM_003496.3); short protein forms R90Q.
Identifiers: ClinVar variation 2227982 (VCV002227982.5), dbSNP rs782445448, ClinGen allele CA4359184.
Genomic context (GRCh38, chr7:98,892,431, plus strand): 5'-TGGAACCCTTGGAAGTATTTTTATCCTTACATTTATTTATTTTTTCTTGCCAGCAACTGC[G>A]GAAGCTCGTACTTGAAATAATTCATAGAATACCAACCAACGAACATCTTCGTCCTCACAC-3'
Protein context (NP_001362453.1, residues 80-100): FLQEKPAQQL[Arg90Gln]KLVLEIIHRI

ClinVar aggregate classification (germline): Uncertain significance. Review status: criteria provided, multiple submitters, no conflicts (2 of 4 stars). 2 submissions from 2 submitters: Uncertain significance (2). Last evaluated 2021-11-15.

Conditions:
Inborn genetic diseases. Identifiers: MedGen C0950123, MeSH D030342.

Allele frequency attached by ClinVar (database versions not stated): ExAC 0.00001; gnomAD 0.00001; gnomAD exomes 0.00001.
gnomAD v4.1: 13 of 1,609,590 alleles (0.00081%); highest among the groups gnomAD compares: East Asian, 0.0067%; no homozygotes.

Submissions (2):

Revvity Omics, Revvity
Classification: Uncertain significance. Last evaluated: 2021-11-15. Review status: criteria provided, single submitter. Criteria: ACMG Guidelines, 2015. Collection method: clinical testing. Allele origin: germline.

Ambry Genetics
Classification: Uncertain significance for Inborn genetic diseases. Last evaluated: 2020-11-19. Review status: criteria provided, single submitter. Criteria: Ambry Variant Classification Scheme 2023. Collection method: clinical testing. Allele origin: germline.
Comment: The c.269G>A (p.R90Q) alteration is located in exon 5 (coding exon 4) of the TRRAP gene. This alteration results from a G to A substitution at nucleotide position 269, causing the arginine (R) at amino acid position 90 to be replaced by a glutamine (Q). Based on data from the Genome Aggregation Database (gnomAD) database, the TRRAP c.269G>A alteration was observed in 0.002% (5/245,792) of total alleles studied, with a frequency of 0.01% (3/32,964) in the Latino subpopulation. The p.R90 amino acid is conserved in available vertebrate species. The p.R90Q alteration is predicted to be deleterious by in silico analysis. Based on insufficient or conflicting evidence, the clinical significance of this alteration remains unclear.